The following is an entry in ClinVar:

ClinVar aggregate classification (germline): Pathogenic/Likely pathogenic. Review status: criteria provided, multiple submitters, no conflicts (2 of 4 stars). 4 submissions from 4 submitters: Pathogenic (3); Likely pathogenic (1). Last evaluated 2023-10-16.

Conditions:
Hereditary cancer-predisposing syndrome. Also called: Hereditary neoplastic syndrome; Neoplastic Syndromes, Hereditary; Tumor predisposition; Hereditary Cancer Syndrome. Identifiers: Orphanet 140162, MedGen C0027672, MeSH D009386, MONDO:0015356.
Nijmegen breakage syndrome-like disorder (NBSLD). Also called: MICROCEPHALY AND SPONTANEOUS CHROMOSOME INSTABILITY WITHOUT IMMUNODEFICIENCY; NBS-LIKE DISORDER; RAD50 DEFICIENCY. Identifiers: Orphanet 240760, MedGen C2751318, MONDO:0013118, OMIM 613078.

Submissions (4):

Labcorp Genetics (formerly Invitae), Labcorp
Classification: Pathogenic for Hereditary cancer-predisposing syndrome. Last evaluated: 2023-10-16. Review status: criteria provided, single submitter. Criteria: Invitae Variant Classification Sherloc (09022015). Collection method: clinical testing. Allele origin: germline.
Comment: This sequence change creates a premature translational stop signal (p.Asn1070Ilefs*6) in the RAD50 gene. It is expected to result in an absent or disrupted protein product. Loss-of-function variants in RAD50 are known to be pathogenic (PMID: 19409520). This variant is present in population databases (rs786202187, gnomAD 0.007%). This variant has not been reported in the literature in individuals affected with RAD50-related conditions. ClinVar contains an entry for this variant (Variation ID: 185458). For these reasons, this variant has been classified as Pathogenic.

Baylor Genetics
Classification: Likely pathogenic for Nijmegen breakage syndrome-like disorder. Last evaluated: 2022-01-21. Review status: criteria provided, single submitter. Criteria: ACMG Guidelines, 2015. Collection method: clinical testing. Allele origin: unknown.

Ambry Genetics
Classification: Pathogenic for Hereditary cancer-predisposing syndrome. Last evaluated: 2020-09-11. Review status: criteria provided, single submitter. Criteria: Ambry Variant Classification Scheme 2023. Collection method: clinical testing. Allele origin: germline.
Comment: The c.3209delA pathogenic mutation, located in coding exon 21 of the RAD50 gene, results from a deletion of one nucleotide at nucleotide position 3209, causing a translational frameshift with a predicted alternate stop codon (p.N1070Ifs*6). This alteration is expected to result in loss of function by premature protein truncation or nonsense-mediated mRNA decay. As such, this alteration is interpreted as a disease-causing mutation.

Revvity Omics, Revvity
Classification: Pathogenic for Nijmegen breakage syndrome-like disorder. Last evaluated: 2019-05-29. Review status: criteria provided, single submitter. Criteria: ACMG Guidelines, 2015. Collection method: clinical testing. Allele origin: germline.

Literature cited by the submitters: PubMed 19409520 (cited by Labcorp Genetics (formerly Invitae), Labcorp).

NM_005732.4(RAD50):c.3209del (p.Asn1070fs)

Gene: RAD50 (RAD50 double strand break repair protein; plus strand). Cytogenetic location: 5q31.1.
Variant type: Deletion.
Coding change: c.3209del on transcript NM_005732.4 (MANE Select); coding-DNA position 3209, one base deleted (A; older notation c.3209delA).
Protein change: p.Asn1070fs; shifts the reading frame from asparagine 1070.
Molecular consequence: frameshift variant.
Genome position (GRCh38, 1-based): chr5:132,618,114, A deleted; the last of 3 consecutive A bases (chr5:132,618,112-132,618,114); deleting any one gives the same sequence. VCF-style (leftmost placement, unchanged base first): chr5-132618111-GA-G. GRCh37 (hg19) VCF-style: chr5-131953803-GA-G.
Other names: c.3209del (NM_005732.3); short protein forms N1070fs.
Identifiers: ClinVar variation 185458 (VCV000185458.16), dbSNP rs786202187, ClinGen allele CA192017.